The following is an entry in ClinVar:

ClinVar aggregate classification (germline): Benign/Likely benign. Review status: criteria provided, multiple submitters, no conflicts (2 of 4 stars). 4 submissions from 4 submitters: Benign (1); Likely benign (1). 2 of the submissions do not count toward it. Last evaluated 2024-10-14.

Conditions:
Occult macular dystrophy (OCMD). Also called: OMD; OCCULT MACULAR DYSTROPHY, SUSCEPTIBILITY TO. Identifiers: Orphanet 247834, MedGen C3150833, MONDO:0013316, OMIM 613587, HP:0030636.

Allele frequency attached by ClinVar (database versions not stated): 1000 Genomes Project 0.00020; 1000 Genomes Project 30x 0.00031; ExAC 0.00076; gnomAD exomes 0.00084 and 0.00134; gnomAD 0.00090 and 0.00103; TOPMed 0.00100; ESP Exome Variant Server 0.00114.

Submissions (4):

Blueprint Genetics
Classification: Likely benign. Last evaluated: 2024-10-14. Review status: criteria provided, single submitter. Criteria: ACMG Guidelines, 2015. Collection method: clinical testing. Allele origin: germline.

Illumina Laboratory Services, Illumina
Classification: Benign for Occult macular dystrophy. Last evaluated: 2018-01-13. Review status: criteria provided, single submitter. Criteria: ICSL Variant Classification Criteria 13 December 2019. Collection method: clinical testing. Allele origin: germline.
Comment: This variant was observed in the ICSL laboratory as part of a predisposition screen in an ostensibly healthy population. It had not been previously curated by ICSL or reported in the Human Gene Mutation Database (HGMD: prior to June 1st, 2018), and was therefore a candidate for classification through an automated scoring system. Utilizing variant allele frequency, disease prevalence and penetrance estimates, and inheritance mode, an automated score was calculated to assess if this variant is too frequent to cause the disease. Based on the score and internal cut-off values, a variant classified as benign is not then subjected to further curation. The score for this variant resulted in a classification of benign for this disease.

Clinical Genetics DNA and cytogenetics Diagnostics Lab, Erasmus MC, Erasmus Medical Center
Classification: Likely benign. Review status: no assertion criteria provided. Collection method: clinical testing. Allele origin: germline. Affected: yes. Study: VKGL Data-share Consensus. Not counted in ClinVar's aggregate classification.

Clinical Genetics, Academic Medical Center
Classification: Benign. Review status: no assertion criteria provided. Collection method: clinical testing. Allele origin: germline. Affected: yes. Study: VKGL Data-share Consensus. Not counted in ClinVar's aggregate classification.

NM_178857.6(RP1L1):c.4323G>A (p.Pro1441=)

Gene: RP1L1 (RP1 like 1). Cytogenetic location: 8p23.1.
Variant type: single nucleotide variant.
Coding change: c.4323G>A on transcript NM_178857.6 (MANE Select); coding-DNA position 4323, G replaced by A.
Protein change: p.Pro1441=; no amino-acid change (proline 1441 retained).
Molecular consequence: synonymous variant.
Genome position (GRCh38, 1-based): chr8:10,609,775, C>T on the plus strand (G>A on the coding strand, the complement: RP1L1 is on the minus strand). VCF-style: chr8-10609775-C-T. GRCh37 (hg19) VCF-style: chr8-10467285-C-T.
Identifiers: ClinVar variation 361283 (VCV000361283.9), dbSNP rs199802369, ClinGen allele CA4624073.